The following is an entry in ClinVar:

NM_001039141.3(TRIOBP):c.650G>A (p.Ser217Asn)

Gene: TRIOBP (TRIO and F-actin binding protein; plus strand). Cytogenetic location: 22q13.1.
Variant type: single nucleotide variant.
Coding change: c.650G>A on transcript NM_001039141.3 (MANE Select); coding-DNA position 650, G replaced by A.
Protein change: p.Ser217Asn; replaces serine 217 with asparagine.
Molecular consequence: missense variant.
Genome position (GRCh38, 1-based): chr22:37,723,206, G>A. VCF-style: chr22-37723206-G-A. GRCh37 (hg19) VCF-style: chr22-38119213-G-A.
Other names: p.Ser217Asn; short protein forms S217N.
Identifiers: ClinVar variation 508110 (VCV000508110.14), dbSNP rs12628603, ClinGen allele CA10223421.

ClinVar aggregate classification (germline): Benign. Review status: criteria provided, multiple submitters, no conflicts (2 of 4 stars). 5 submissions from 5 submitters: Benign (5). Last evaluated 2026-02-04.

Conditions:
Autosomal recessive nonsyndromic hearing loss 28. Identifiers: Orphanet 90636, MedGen C1853276, MONDO:0012355, OMIM 609823.

Allele frequency attached by ClinVar (database versions not stated): 1000 Genomes Project 30x 0.52280; 1000 Genomes Project 0.52656; gnomAD 0.54098 and 0.54243; TOPMed 0.54155; ESP Exome Variant Server 0.54373; ExAC 0.56966; gnomAD exomes 0.57361 and 0.59863.
gnomAD v4.1: 956,341 of 1,613,244 alleles (59%); highest among the groups gnomAD compares: East Asian, 64%; 286,932 homozygotes.

Submissions (5):

Labcorp Genetics (formerly Invitae), Labcorp
Classification: Benign. Last evaluated: 2026-02-04. Review status: criteria provided, single submitter. Criteria: Invitae Variant Classification Sherloc (09022015). Collection method: clinical testing. Allele origin: germline.

Genome-Nilou Lab
Classification: Benign for Autosomal recessive nonsyndromic hearing loss 28. Last evaluated: 2021-09-10. Review status: criteria provided, single submitter. Criteria: ACMG Guidelines, 2015. Collection method: clinical testing. Allele origin: germline. Affected: no.

Mayo Clinic Laboratories, Mayo Clinic
Classification: Benign. Last evaluated: 2020-07-02. Review status: criteria provided, single submitter. Criteria: ACMG Guidelines, 2015. Collection method: clinical testing. Allele origin: germline. Observed: 123 variant alleles.

GeneDx
Classification: Benign. Last evaluated: 2017-05-09. Review status: criteria provided, single submitter. Criteria: GeneDx Variant Classification (06012015). Collection method: clinical testing. Allele origin: germline. Affected: yes.
Comment: This variant is considered likely benign or benign based on one or more of the following criteria: it is a conservative change, it occurs at a poorly conserved position in the protein, it is predicted to be benign by multiple in silico algorithms, and/or has population frequency not consistent with disease.

Breakthrough Genomics
Classification: Benign. Review status: criteria provided, single submitter. Criteria: ACMG Guidelines, 2015. Collection method: not provided. Allele origin: germline. Inheritance: Autosomal recessive inheritance. Affected: yes.